The following is an entry in ClinVar:

NM_020247.5(COQ8A):c.902G>T (p.Arg301Leu)

Gene: COQ8A (coenzyme Q8A; plus strand). Cytogenetic location: 1q42.13.
Variant type: single nucleotide variant.
Coding change: c.902G>T on transcript NM_020247.5 (MANE Select); coding-DNA position 902, G replaced by T.
Protein change: p.Arg301Leu; replaces arginine 301 with leucine.
Molecular consequence: missense variant.
Genome position (GRCh38, 1-based): chr1:226,982,726, G>T. VCF-style: chr1-226982726-G-T. GRCh37 (hg19) VCF-style: chr1-227170427-G-T.
Other names: short protein forms R301L.
Identifiers: ClinVar variation 3571929 (VCV003571929.1).

ClinVar aggregate classification (germline): Uncertain significance (1 of 4 stars; one submission).

gnomAD v4.1: 7 of 1,613,574 alleles (0.00043%); highest among the groups gnomAD compares: Non-Finnish European, 0.00059%; no homozygotes.

Submission:

Athena Diagnostics
Classification: Uncertain significance. Last evaluated: 2024-02-02. Review status: criteria provided, single submitter. Criteria: Athena Diagnostics Criteria. Collection method: clinical testing. Allele origin: unknown.
Comment: Available data are insufficient to determine the clinical significance of the variant at this time. The frequency of this variant in the general population is uninformative in assessment of its pathogenicity. Computational tools predict that this variant is damaging.